The following is an entry in ClinVar:

ClinVar aggregate classification (germline): Uncertain significance. Review status: criteria provided, multiple submitters, no conflicts (2 of 4 stars). 2 submissions from 2 submitters: Uncertain significance (2). Last evaluated 2024-04-25.

Conditions:
Cardiomyopathy (CMYO). Also called: Cardiomyopathies. Identifiers: Orphanet 167848, MedGen C0878544, MONDO:0004994, HP:0001638. Inheritance: Various modes of inheritance.
Cardiovascular phenotype. Identifiers: MedGen CN230736.

Allele frequency attached by ClinVar (database versions not stated): gnomAD exomes below 0.00001.

Submissions (2):

All of Us Research Program, National Institutes of Health
Classification: Uncertain significance for Cardiomyopathy. Last evaluated: 2024-04-25. Review status: criteria provided, single submitter. Criteria: ACMG Guidelines, 2015. Collection method: clinical testing. Allele origin: germline. Inheritance: Autosomal dominant inheritance. Observed: 1 variant allele, 1 heterozygote.
Comment: This missense variant replaces arginine with lysine at codon 201 of the TNNT2 protein. Computational prediction suggests that this variant may not impact protein structure and function (internally defined REVEL score threshold <= 0.5, PMID: 27666373). To our knowledge, functional studies have not been reported for this variant. This variant has not been reported in individuals affected with TNNT2-related disorders in the literature. This variant has not been identified in the general population by the Genome Aggregation Database (gnomAD). The available evidence is insufficient to determine the role of this variant in disease conclusively. Therefore, this variant is classified as a Variant of Uncertain Significance.

This study involves interpretation of variants in research participants for the purpose of population health screening. Participant phenotype was not available at the time of variant classification. Additional details can be found in publication PMID: 35346344, PMCID: PMC8962531

Ambry Genetics
Classification: Uncertain significance for Cardiovascular phenotype. Last evaluated: 2023-07-21. Review status: criteria provided, single submitter. Criteria: Ambry Variant Classification Scheme 2023. Collection method: clinical testing. Allele origin: germline.
Comment: The p.R201K variant (also known as c.602G>A), located in coding exon 12 of the TNNT2 gene, results from a G to A substitution at nucleotide position 602. The arginine at codon 201 is replaced by lysine, an amino acid with highly similar properties. This amino acid position is not well conserved in available vertebrate species, and lysine is the reference amino acid in other vertebrate species. In addition, this alteration is predicted to be tolerated by in silico analysis. Since supporting evidence is limited at this time, the clinical significance of this alteration remains unclear.

NM_001276345.2(TNNT2):c.632G>A (p.Arg211Lys)

Gene: TNNT2 (troponin T2, cardiac type; minus strand). Cytogenetic location: 1q32.1.
Variant type: single nucleotide variant.
Coding change: c.632G>A on transcript NM_001276345.2 (MANE Select); coding-DNA position 632, G replaced by A.
Protein change: p.Arg211Lys; replaces arginine 211 with lysine.
Molecular consequence: missense variant.
Genome position (GRCh38, 1-based): chr1:201,362,000, C>T on the plus strand (G>A on the coding strand, the complement: TNNT2 is on the minus strand). VCF-style: chr1-201362000-C-T. GRCh37 (hg19) VCF-style: chr1-201331128-C-T.
Other names: c.623G>A, p.Arg208Lys (NM_000364.4, NM_001406723.1); c.602G>A, p.Arg201Lys (NM_001001430.3, NM_001276347.2, NM_001406724.1); c.593G>A, p.Arg198Lys (NM_001001431.3, NM_001406726.1, NM_001406727.1); c.584G>A, p.Arg195Lys (NM_001001432.3); c.503G>A, p.Arg168Lys (NM_001276346.2); c.599G>A, p.Arg200Lys (NM_001406725.1); c.587G>A, p.Arg196Lys (NM_001406728.1); short protein forms R168K, R200K, R198K, R196K, R201K, R195K, R208K, R211K.
Identifiers: ClinVar variation 1751172 (VCV001751172.4), dbSNP rs2526942695, ClinGen allele CA344203922.